The following is an entry in ClinVar:

ClinVar aggregate classification (germline): Uncertain significance (1 of 4 stars; one submission).

Submission:

Labcorp Genetics (formerly Invitae), Labcorp
Classification: Uncertain significance. Last evaluated: 2023-11-24. Review status: criteria provided, single submitter. Criteria: Invitae Variant Classification Sherloc (09022015). Collection method: clinical testing. Allele origin: germline.
Comment: This variant, c.1399_1416dup, results in the insertion of 6 amino acid(s) of the KRT10 protein (p.Gly467_Gly472dup), but otherwise preserves the integrity of the reading frame. This variant is present in population databases (rs772258628, gnomAD 0.01%). This variant has not been reported in the literature in individuals affected with KRT10-related conditions. In summary, the available evidence is currently insufficient to determine the role of this variant in disease. Therefore, it has been classified as a Variant of Uncertain Significance.

NM_000421.5(KRT10):c.1399_1416dup (p.Gly472_Tyr473insGlySerPheGlyGlyGly)

Gene: KRT10 (keratin 10; minus strand). Cytogenetic location: 17q21.2.
Variant type: Duplication.
Coding change: c.1399_1416dup on transcript NM_000421.5 (MANE Select); coding-DNA positions 1399 to 1416, 18 bases duplicated (GGAAGTTTCGGCGGCGGC).
Protein change: p.Gly472_Tyr473insGlySerPheGlyGlyGly.
Molecular consequence: inframe insertion.
Genome position (GRCh38, 1-based): chr17:40,819,119-40,819,136, GCCGCCGCCGAAACTTCC duplicated on the plus strand (GGAAGTTTCGGCGGCGGC on the coding strand, the reverse complement: KRT10 is on the minus strand); duplicating any 18 consecutive bases within chr17:40,819,119-40,819,144 gives the same sequence; the c. name uses the placement nearest the transcript's 3' end. VCF-style (leftmost placement, unchanged base first): chr17-40819118-A-AGCCGCCGCCGAAACTTCC. GRCh37 (hg19) VCF-style: chr17-38975370-A-AGCCGCCGCCGAAACTTCC.
Other names: c.1399_1416dup, p.Gly472_Tyr473insGlySerPheGlyGlyGly (NM_001379366.1).
Identifiers: ClinVar variation 2983785 (VCV002983785.3), dbSNP rs772258628, ClinGen allele CA8548044.
Genomic context (GRCh38, chr17:40,819,118, plus strand): 5'-CGCCGTGGCCGCCGCCGTGGCCGCCGCCGGAGCTTCCGCCGCCGGAGCTTCCGCCGCCGT[A>AGCCGCCGCCGAAACTTCC]GCCGCCGCCGAAACTTCCGCCGCCGCGTCCGCCGCCTCCGGAACTAAACGGGGTGAGGTC-3'